The following is an entry in ClinVar:

NM_001127222.2(CACNA1A):c.1655G>T (p.Cys552Phe)

Gene: CACNA1A (calcium voltage-gated channel subunit alpha1 A; minus strand). Cytogenetic location: 19p13.13.
Variant type: single nucleotide variant.
Coding change: c.1655G>T on transcript NM_001127222.2 (MANE Select); coding-DNA position 1655, G replaced by T.
Protein change: p.Cys552Phe; replaces cysteine 552 with phenylalanine.
Molecular consequence: missense variant.
Genome position (GRCh38, 1-based): chr19:13,312,682, C>A on the plus strand (G>T on the coding strand, the complement: CACNA1A is on the minus strand). VCF-style: chr19-13312682-C-A. GRCh37 (hg19) VCF-style: chr19-13423496-C-A.
Other names: c.1658G>T, p.Cys553Phe (NM_000068.4, NM_001127221.2, NM_001174080.2 and 1 more transcripts); short protein forms C552F, C553F.
Identifiers: ClinVar variation 1309682 (VCV001309682.2), dbSNP rs2058057217, ClinGen allele CA404345304.
Genomic context (GRCh38, chr19:13,312,682, plus strand): 5'-CCAGGCAAGAGCTGGAGAAATGAACTCTTAGAAACAAGAGCACTTACCCCACAGTCAAAG[C>A]AGTTGAAGGAAGAGTGGAAGTAAGGCCGCGTCCCAAGCCCGTACATTTTTATAAACATTT-3'
Protein context (NP_001120694.1, residues 542-562): TRPYFHSSFN[Cys552Phe]FDCGVIIGSI

ClinVar aggregate classification (germline): Uncertain significance (1 of 4 stars; one submission).

Submission:

GeneDx
Classification: Uncertain significance. Last evaluated: 2019-11-01. Review status: criteria provided, single submitter. Criteria: GeneDx Variant Classification Process June 2021. Collection method: clinical testing. Allele origin: germline. Affected: yes.
Comment: Not observed in large population cohorts (Lek et al., 2016); In silico analysis, which includes protein predictors and evolutionary conservation, supports a deleterious effect; Has not been previously published as pathogenic or benign to our knowledge